The following is an entry in ClinVar:

ClinVar aggregate classification (germline): Uncertain significance (1 of 4 stars; one submission).

Conditions:
Multiple endocrine neoplasia, type 1 (MEN1). Also called: MEN I; WERMER SYNDROME; Endocrine adenomatosis multiple; MEN 1; MEA I. Identifiers: Orphanet 652, MedGen C0025267, MeSH D018761, MONDO:0007540, OMIM 131100.

Submission:

Labcorp Genetics (formerly Invitae), Labcorp
Classification: Uncertain significance for Multiple endocrine neoplasia, type 1. Last evaluated: 2021-08-09. Review status: criteria provided, single submitter. Criteria: Invitae Variant Classification Sherloc (09022015). Collection method: clinical testing. Allele origin: germline.
Comment: This sequence change replaces valine with leucine at codon 53 of the MEN1 protein (p.Val53Leu). The valine residue is highly conserved and there is a small physicochemical difference between valine and leucine. This variant is not present in population databases (ExAC no frequency). This variant has not been reported in the literature in individuals affected with MEN1-related conditions. Algorithms developed to predict the effect of missense changes on protein structure and function (SIFT, PolyPhen-2, Align-GVGD) all suggest that this variant is likely to be tolerated. In summary, the available evidence is currently insufficient to determine the role of this variant in disease. Therefore, it has been classified as a Variant of Uncertain Significance.

NM_001370259.2(MEN1):c.157G>C (p.Val53Leu)

Gene: MEN1 (menin 1; minus strand). Cytogenetic location: 11q13.1.
Variant type: single nucleotide variant.
Coding change: c.157G>C on transcript NM_001370259.2 (MANE Select); coding-DNA position 157, G replaced by C.
Protein change: p.Val53Leu; replaces valine 53 with leucine.
Molecular consequence: missense variant.
Genome position (GRCh38, 1-based): chr11:64,809,953, C>G on the plus strand (G>C on the coding strand, the complement: MEN1 is on the minus strand). VCF-style: chr11-64809953-C-G. GRCh37 (hg19) VCF-style: chr11-64577425-C-G.
Other names: c.157G>C, p.Val53Leu (NM_130800.3, NM_130801.3, NM_130802.3 and 9 more transcripts); short protein forms V53L.
Identifiers: ClinVar variation 1439491 (VCV001439491.6), dbSNP rs2136191735, ClinGen allele CA381187762.
Genomic context (GRCh38, chr11:64,809,953, plus strand): 5'-CAGGCGGGTCGGGGGCGGGGCTGGGCTGGAAGGTGAGCTCGGGAACGTTGGTAGGGATGA[C>G]GCGGTTGACAGCCAGAAAATGCTCCACGAAGCCCAGCACCAAGGAAAGGAGCACCAGGTC-3'
Protein context (NP_001357188.2, residues 43-63): FVEHFLAVNR[Val53Leu]IPTNVPELTF